The following is an entry in ClinVar:

ClinVar aggregate classification (germline): Uncertain significance. Review status: criteria provided, multiple submitters, no conflicts (2 of 4 stars). 3 submissions from 3 submitters: Uncertain significance (3). Last evaluated 2025-06-10.

Conditions:
Inborn genetic diseases. Identifiers: MedGen C0950123, MeSH D030342.
Epidermolysis bullosa simplex 5B, with muscular dystrophy (EBS5B). Also called: Epidermolysis bullosa simplex with muscular dystrophy; EPIDERMOLYSIS BULLOSA SIMPLEX AND LIMB-GIRDLE MUSCULAR DYSTROPHY. Identifiers: Orphanet 257, MedGen C2931072, MONDO:0009181, OMIM 226670.
Epidermolysis bullosa simplex, Ogna type (EBS5A). Also called: EPIDERMOLYSIS BULLOSA SIMPLEX 5A, OGNA TYPE; Pidermolysis bullosa simplex 5A, Ogna type. Identifiers: Orphanet 79401, MedGen C0432317, MONDO:0007555, OMIM 131950.
Epidermolysis bullosa simplex 5C, with pyloric atresia (EBS5C). Also called: PLEC-Related Epidermolysis Bullosa with Pyloric Atresia; Epidermolysis bullosa simplex with pyloric atresia; PLEC1-Related Epidermolysis Bullosa with Pyloric Atresia. Identifiers: Orphanet 158684, MedGen C2677349, MONDO:0012807, OMIM 612138.
Autosomal recessive limb-girdle muscular dystrophy type 2Q (LGMDR17). Also called: MUSCULAR DYSTROPHY, LIMB-GIRDLE, AUTOSOMAL RECESSIVE 17. Identifiers: Orphanet 254361, MedGen C3150989, MONDO:0013390, OMIM 613723.
Epidermolysis bullosa simplex with nail dystrophy (EBS5D). Identifiers: MedGen C4225309, MONDO:0014661, OMIM 616487.

Allele frequency attached by ClinVar (database versions not stated): gnomAD exomes below 0.00001; ExAC 0.00002; TOPMed 0.00002; ESP Exome Variant Server 0.00008.
gnomAD v4.1: 7 of 1,612,840 alleles (0.00043%); highest among the groups gnomAD compares: South Asian, 0.0011%; no homozygotes.

Submissions (3):

Labcorp Genetics (formerly Invitae), Labcorp
Classification: Uncertain significance for Autosomal recessive limb-girdle muscular dystrophy type 2Q; Epidermolysis bullosa simplex, Ogna type; Epidermolysis bullosa simplex with nail dystrophy; Epidermolysis bullosa simplex 5C, with pyloric atresia; Epidermolysis bullosa simplex 5B, with muscular dystrophy. Last evaluated: 2025-06-10. Review status: criteria provided, single submitter. Criteria: Invitae Variant Classification Sherloc (09022015). Collection method: clinical testing. Allele origin: germline.
Comment: This sequence change replaces arginine, which is basic and polar, with tryptophan, which is neutral and slightly polar, at codon 226 of the PLEC protein (p.Arg226Trp). The frequency data for this variant in the population databases is considered unreliable, as metrics indicate poor data quality at this position in the gnomAD database. This variant has not been reported in the literature in individuals affected with PLEC-related conditions. ClinVar contains an entry for this variant (Variation ID: 2277474). Invitae Evidence Modeling of protein sequence and biophysical properties (such as structural, functional, and spatial information, amino acid conservation, physicochemical variation, residue mobility, and thermodynamic stability) indicates that this missense variant is not expected to disrupt PLEC protein function with a negative predictive value of 80%. In summary, the available evidence is currently insufficient to determine the role of this variant in disease. Therefore, it has been classified as a Variant of Uncertain Significance.

Ambry Genetics
Classification: Uncertain significance for Inborn genetic diseases. Last evaluated: 2022-02-17. Review status: criteria provided, single submitter. Criteria: Ambry Variant Classification Scheme 2023. Collection method: clinical testing. Allele origin: germline.

Revvity Omics, Revvity
Classification: Uncertain significance. Last evaluated: 2020-02-12. Review status: criteria provided, single submitter. Criteria: ACMG Guidelines, 2015. Collection method: clinical testing. Allele origin: germline.

NM_201384.3(PLEC):c.595C>T (p.Arg199Trp)

Gene: PLEC (plectin; minus strand). Cytogenetic location: 8q24.3.
Variant type: single nucleotide variant.
Coding change: c.595C>T on transcript NM_201384.3 (MANE Select); coding-DNA position 595, C replaced by T.
Protein change: p.Arg199Trp; replaces arginine 199 with tryptophan.
Molecular consequence: missense variant.
Genome position (GRCh38, 1-based): chr8:143,935,855, G>A on the plus strand (C>T on the coding strand, the complement: PLEC is on the minus strand). VCF-style: chr8-143935855-G-A. GRCh37 (hg19) VCF-style: chr8-145010023-G-A.
Other names: c.676C>T, p.Arg226Trp (NM_000445.5, NM_001410941.1); c.553C>T, p.Arg185Trp (NM_201378.4); c.529C>T, p.Arg177Trp (NM_201379.3); c.1006C>T, p.Arg336Trp (NM_201380.4); c.499C>T, p.Arg167Trp (NM_201381.3); c.595C>T, p.Arg199Trp (NM_201382.4); c.607C>T, p.Arg203Trp (NM_201383.3); short protein forms R167W, R185W, R226W, R177W, R336W, R199W, R203W.
Identifiers: ClinVar variation 2277474 (VCV002277474.7), dbSNP rs374865893, ClinGen allele CA4928397.